The following is an entry in ClinVar:

ClinVar aggregate classification (germline): Uncertain significance. Review status: criteria provided, multiple submitters, no conflicts (2 of 4 stars). 2 submissions from 2 submitters: Uncertain significance (2). Last evaluated 2024-09-20.

Conditions:
Glycogen storage disease due to muscle beta-enolase deficiency (GSD13). Also called: ENOLASE 3 DEFICIENCY; ENOLASE-BETA DEFICIENCY; GSD XIII; Glycogen Storage Disease Type XIII. Identifiers: Orphanet 99849, MedGen C2752027, MONDO:0013046, OMIM 612932.
Inborn genetic diseases. Identifiers: MedGen C0950123, MeSH D030342.

Allele frequency attached by ClinVar (database versions not stated): gnomAD exomes below 0.00001; TOPMed 0.00004; gnomAD 0.00007; 1000 Genomes Project 0.00020; 1000 Genomes Project 30x 0.00031.

Submissions (2):

Ambry Genetics
Classification: Uncertain significance for Inborn genetic diseases. Last evaluated: 2024-09-20. Review status: criteria provided, single submitter. Criteria: Ambry Variant Classification Scheme 2023. Collection method: clinical testing. Allele origin: germline.

Labcorp Genetics (formerly Invitae), Labcorp
Classification: Uncertain significance for Glycogen storage disease due to muscle beta-enolase deficiency. Last evaluated: 2023-05-23. Review status: criteria provided, single submitter. Criteria: Invitae Variant Classification Sherloc (09022015). Collection method: clinical testing. Allele origin: germline.
Comment: In summary, the available evidence is currently insufficient to determine the role of this variant in disease. Therefore, it has been classified as a Variant of Uncertain Significance. Advanced modeling of protein sequence and biophysical properties (such as structural, functional, and spatial information, amino acid conservation, physicochemical variation, residue mobility, and thermodynamic stability) performed at Invitae indicates that this missense variant is not expected to disrupt ENO3 protein function. ClinVar contains an entry for this variant (Variation ID: 1440146). This variant has not been reported in the literature in individuals affected with ENO3-related conditions. This variant is present in population databases (rs561878819, gnomAD 0.01%). This sequence change replaces asparagine, which is neutral and polar, with histidine, which is basic and polar, at codon 254 of the ENO3 protein (p.Asn254His).

NM_053013.4(ENO3):c.760A>C (p.Asn254His)

Gene: ENO3 (enolase 3; plus strand). Cytogenetic location: 17p13.2.
Variant type: single nucleotide variant.
Coding change: c.760A>C on transcript NM_053013.4 (MANE Select); coding-DNA position 760, A replaced by C.
Protein change: p.Asn254His; replaces asparagine 254 with histidine.
Molecular consequence: missense variant.
Genome position (GRCh38, 1-based): chr17:4,955,499, A>C. VCF-style: chr17-4955499-A-C. GRCh37 (hg19) VCF-style: chr17-4858794-A-C.
Other names: c.760A>C (NM_053013.3); c.631A>C, p.Asn211His (NM_001193503.2); c.760A>C, p.Asn254His (NM_001374523.1, NM_001976.5); c.787A>C, p.Asn263His (NM_001374524.1); short protein forms N211H, N254H, N263H.
Identifiers: ClinVar variation 1440146 (VCV001440146.5), dbSNP rs561878819, ClinGen allele CA287176297.
Genomic context (GRCh38, chr17:4,955,499, plus strand): 5'-GCTGGTTACCCAGACAAGGTGGTGATCGGCATGGATGTGGCAGCATCTGAGTTCTATCGC[A>C]ATGGGAAGTACGATCTTGACTTCAAGTCGCCTGATGATCCCGCACGGCACATCACTGGGG-3'
Protein context (NP_443739.3, residues 244-264): MDVAASEFYR[Asn254His]GKYDLDFKSP